The following is an entry in ClinVar:

ClinVar aggregate classification (germline): Conflicting classifications of pathogenicity. Review status: criteria provided, conflicting classifications (1 of 4 stars). 3 submissions from 3 submitters: Uncertain significance (1); Likely benign (2). Last evaluated 2026-03-05.

Conditions:
TTN-related disorder. Also called: TTN-related condition; TTN-related disease; TTN-related disorders.

Allele frequency attached by ClinVar (database versions not stated): gnomAD below 0.00001 and 0.00001; gnomAD exomes 0.00002 and 0.00005; ExAC 0.00009.
gnomAD v4.1: 29 of 1,599,310 alleles (0.0018%); highest among the groups gnomAD compares: South Asian, 0.028%; no homozygotes.

Submissions (3):

PreventionGenetics, part of Exact Sciences
Classification: Uncertain significance for TTN-related condition. Last evaluated: 2026-03-05. Review status: criteria provided, single submitter. Criteria: ACMG Guidelines, 2015. Collection method: clinical testing. Allele origin: germline.
Comment: The TTN c.19433A>G variant is predicted to result in the amino acid substitution p.Asn6478Ser. To our knowledge, this variant has not been reported in the literature. This variant is reported in 0.044% of alleles in individuals of South Asian descent in gnomAD. At this time, the clinical significance of this variant is uncertain due to the absence of conclusive functional and genetic evidence.

Molecular Diagnostic Laboratory for Inherited Cardiovascular Disease, Montreal Heart Institute
Classification: Likely benign. Last evaluated: 2025-04-09. Review status: criteria provided, single submitter. Criteria: ACMG Guidelines, 2015. Collection method: clinical testing. Allele origin: germline. Affected: no.
Comment: BP1;BP6

GeneDx
Classification: Likely benign. Last evaluated: 2018-01-15. Review status: criteria provided, single submitter. Criteria: GeneDx Variant Classification (06012015). Collection method: clinical testing. Allele origin: germline. Affected: yes.
Comment: This variant is considered likely benign or benign based on one or more of the following criteria: it is a conservative change, it occurs at a poorly conserved position in the protein, it is predicted to be benign by multiple in silico algorithms, and/or has population frequency not consistent with disease.

NM_001267550.2(TTN):c.19433A>G (p.Asn6478Ser)

Gene: TTN (titin; minus strand). Cytogenetic location: 2q31.2.
Variant type: single nucleotide variant.
Coding change: c.19433A>G on transcript NM_001267550.2 (MANE Select); coding-DNA position 19433, A replaced by G.
Protein change: p.Asn6478Ser; replaces asparagine 6478 with serine.
Molecular consequence: missense variant. On other transcripts: intron variant (3).
Genome position (GRCh38, 1-based): chr2:178,728,391, T>C on the plus strand (A>G on the coding strand, the complement: TTN is on the minus strand). VCF-style: chr2-178728391-T-C. GRCh37 (hg19) VCF-style: chr2-179593118-T-C.
Other names: c.18482A>G, p.Asn6161Ser (NM_001256850.1); c.15701A>G, p.Asn5234Ser (NM_133378.4); c.13282+9691A>G (NM_003319.4); c.13858+9691A>G (NM_133437.4); c.13657+9691A>G (NM_133432.3); short protein forms N6161S, N6478S, N5234S.
Identifiers: ClinVar variation 514881 (VCV000514881.3), dbSNP rs775984790, ClinGen allele CA2001396.